The following is an entry in ClinVar:

ClinVar aggregate classification (germline): Uncertain significance (1 of 4 stars; one submission).

Conditions:
Hereditary cancer-predisposing syndrome. Also called: Hereditary neoplastic syndrome; Tumor predisposition; Hereditary Cancer Syndrome; Neoplastic Syndromes, Hereditary. Identifiers: Orphanet 140162, MedGen C0027672, MeSH D009386, MONDO:0015356.

Submission:

Labcorp Genetics (formerly Invitae), Labcorp
Classification: Uncertain significance for Hereditary cancer-predisposing syndrome. Last evaluated: 2022-04-13. Review status: criteria provided, single submitter. Criteria: Invitae Variant Classification Sherloc (09022015). Collection method: clinical testing. Allele origin: germline.
Comment: Algorithms developed to predict the effect of missense changes on protein structure and function are either unavailable or do not agree on the potential impact of this missense change (SIFT: "Tolerated"; PolyPhen-2: "Possibly Damaging"; Align-GVGD: "Class C0"). This variant has not been reported in the literature in individuals affected with RAD50-related conditions. This variant is present in population databases (rs558302979, gnomAD 0.0009%). This sequence change replaces arginine, which is basic and polar, with leucine, which is neutral and non-polar, at codon 884 of the RAD50 protein (p.Arg884Leu). In summary, the available evidence is currently insufficient to determine the role of this variant in disease. Therefore, it has been classified as a Variant of Uncertain Significance.

NM_005732.4(RAD50):c.2651G>T (p.Arg884Leu)

Gene: RAD50 (RAD50 double strand break repair protein; plus strand). Cytogenetic location: 5q31.1.
Variant type: single nucleotide variant.
Coding change: c.2651G>T on transcript NM_005732.4 (MANE Select); coding-DNA position 2651, G replaced by T.
Protein change: p.Arg884Leu; replaces arginine 884 with leucine.
Molecular consequence: missense variant.
Genome position (GRCh38, 1-based): chr5:132,604,932, G>T. VCF-style: chr5-132604932-G-T. GRCh37 (hg19) VCF-style: chr5-131940624-G-T.
Other names: short protein forms R884L.
Identifiers: ClinVar variation 2125894 (VCV002125894.4), dbSNP rs558302979, ClinGen allele CA3405438.
Genomic context (GRCh38, chr5:132,604,932, plus strand): 5'-AAAGTACAACAAATGAGCTAAAATCTGAGAAACTTCAGATATCCACTAATTTGCAACGTC[G>T]TCAGCAACTGGAGGAGCAGACTGTGGAATTATCCACTGAAGTTCAGTCTTTGTACAGAGA-3'
Protein context (NP_005723.2, residues 874-894): KLQISTNLQR[Arg884Leu]QQLEEQTVEL